The following is an entry in ClinVar:

NM_133497.4(KCNV2):c.75A>C (p.Gln25His)

Gene: KCNV2 (potassium voltage-gated channel modifier subfamily V member 2; plus strand). Cytogenetic location: 9p24.2.
Variant type: single nucleotide variant.
Coding change: c.75A>C on transcript NM_133497.4 (MANE Select); coding-DNA position 75, A replaced by C.
Protein change: p.Gln25His; replaces glutamine 25 with histidine.
Molecular consequence: missense variant.
Genome position (GRCh38, 1-based): chr9:2,717,814, A>C. VCF-style: chr9-2717814-A-C. GRCh37 (hg19) VCF-style: chr9-2717814-A-C.
Other names: short protein forms Q25H.
Identifiers: ClinVar variation 2015104 (VCV002015104.4), dbSNP rs2130859991, ClinGen allele CA372795659.

ClinVar aggregate classification (germline): Uncertain significance (1 of 4 stars; one submission).

Submission:

Labcorp Genetics (formerly Invitae), Labcorp
Classification: Uncertain significance. Last evaluated: 2025-09-15. Review status: criteria provided, single submitter. Criteria: Invitae Variant Classification Sherloc (09022015). Collection method: clinical testing. Allele origin: germline.
Comment: This sequence change replaces glutamine, which is neutral and polar, with histidine, which is basic and polar, at codon 25 of the KCNV2 protein (p.Gln25His). This variant is not present in population databases (gnomAD no frequency). This variant has not been reported in the literature in individuals affected with KCNV2-related conditions. ClinVar contains an entry for this variant (Variation ID: 2015104). Invitae Evidence Modeling of protein sequence and biophysical properties (such as structural, functional, and spatial information, amino acid conservation, physicochemical variation, residue mobility, and thermodynamic stability) indicates that this missense variant is not expected to disrupt KCNV2 protein function with a negative predictive value of 95%. In summary, the available evidence is currently insufficient to determine the role of this variant in disease. Therefore, it has been classified as a Variant of Uncertain Significance.